The following is an entry in ClinVar:

ClinVar aggregate classification (germline): Conflicting classifications of pathogenicity. Review status: criteria provided, conflicting classifications (1 of 4 stars). 2 submissions from 2 submitters: Uncertain significance (1); Likely benign (1). Last evaluated 2023-03-23.

Conditions:
Hereditary cancer-predisposing syndrome. Also called: Tumor predisposition; Hereditary Cancer Syndrome; Hereditary neoplastic syndrome; Neoplastic Syndromes, Hereditary. Identifiers: Orphanet 140162, MedGen C0027672, MeSH D009386, MONDO:0015356.
Hereditary breast ovarian cancer syndrome. Also called: Hereditary breast and ovarian cancer syndrome; Breast and ovarian cancer; BRCA1- and BRCA2-Associated Hereditary Breast and Ovarian Cancer; Hereditary breast and ovarian cancer syndrome (HBOC); Hereditary breast and ovarian cancer; Hereditary breast and/or ovarian cancer syndrome. Identifiers: Orphanet 145, MedGen C0677776, MeSH D061325, MONDO:0003582. Disease mechanism: loss of function.

Submissions (2):

University of Washington Department of Laboratory Medicine, University of Washington
Classification: Likely benign for Hereditary cancer-predisposing syndrome. Last evaluated: 2023-03-23. Review status: criteria provided, single submitter. Criteria: Dines et al. (Genet Med. 2020). Collection method: curation. Allele origin: germline.
Comment: Missense variant in a coldspot region where missense variants are very unlikely to be pathogenic (PMID:31911673).

BRCA2 exon 11 coldspot. Reclassification based on statistical prior probability.

Labcorp Genetics (formerly Invitae), Labcorp
Classification: Uncertain significance for Hereditary breast ovarian cancer syndrome. Last evaluated: 2022-01-22. Review status: criteria provided, single submitter. Criteria: Invitae Variant Classification Sherloc (09022015). Collection method: clinical testing. Allele origin: germline.
Comment: In summary, the available evidence is currently insufficient to determine the role of this variant in disease. Therefore, it has been classified as a Variant of Uncertain Significance. Advanced modeling of protein sequence and biophysical properties (such as structural, functional, and spatial information, amino acid conservation, physicochemical variation, residue mobility, and thermodynamic stability) performed at Invitae indicates that this missense variant is not expected to disrupt BRCA2 protein function. This variant has not been reported in the literature in individuals affected with BRCA2-related conditions. This variant is not present in population databases (gnomAD no frequency). This sequence change replaces phenylalanine, which is neutral and non-polar, with leucine, which is neutral and non-polar, at codon 883 of the BRCA2 protein (p.Phe883Leu).

NM_000059.4(BRCA2):c.2647T>C (p.Phe883Leu)

Gene: BRCA2 (BRCA2 DNA repair associated; plus strand). Cytogenetic location: 13q13.1.
Variant type: single nucleotide variant.
Coding change: c.2647T>C on transcript NM_000059.4 (MANE Select); coding-DNA position 2647, T replaced by C.
Protein change: p.Phe883Leu; replaces phenylalanine 883 with leucine.
Molecular consequence: missense variant.
Genome position (GRCh38, 1-based): chr13:32,337,002, T>C. VCF-style: chr13-32337002-T-C. GRCh37 (hg19) VCF-style: chr13-32911139-T-C.
Other names: c.2647T>C, p.Phe883Leu (NM_001406719.1, NM_001406720.1); short protein forms F883L.
Identifiers: ClinVar variation 2089067 (VCV002089067.6), dbSNP rs2548524401, ClinGen allele CA387773284.
Genomic context (GRCh38, chr13:32,337,002, plus strand): 5'-AATCAAGAAGAAACTACTTCAATTTCAAAAATAACTGTCAATCCAGACTCTGAAGAACTT[T>C]TCTCAGACAATGAGAATAATTTTGTCTTCCAAGTAGCTAATGAAAGGAATAATCTTGCTT-3'
Protein context (NP_000050.3, residues 873-893): ITVNPDSEEL[Phe883Leu]SDNENNFVFQ